The following is an entry in ClinVar:

NM_000138.5(FBN1):c.4034G>A (p.Ser1345Asn)

Gene: FBN1 (fibrillin 1; minus strand). Cytogenetic location: 15q21.1.
Variant type: single nucleotide variant.
Coding change: c.4034G>A on transcript NM_000138.5 (MANE Select); coding-DNA position 4034, G replaced by A.
Protein change: p.Ser1345Asn; replaces serine 1345 with asparagine.
Molecular consequence: missense variant.
Genome position (GRCh38, 1-based): chr15:48,474,581, C>T on the plus strand (G>A on the coding strand, the complement: FBN1 is on the minus strand). VCF-style: chr15-48474581-C-T. GRCh37 (hg19) VCF-style: chr15-48766778-C-T.
Other names: c.4034G>A, p.Ser1345Asn (NM_001406716.1); short protein forms S1345N.
Identifiers: ClinVar variation 4883130 (VCV004883130.2).

ClinVar aggregate classification (germline): Uncertain significance (1 of 4 stars; one submission).

gnomAD v4.1: 1 of 1,614,186 alleles (0.000062%); highest among the groups gnomAD compares: South Asian, 0.0011%; no homozygotes.

Submission:

Dasa
Classification: Uncertain significance. Last evaluated: 2026-03-20. Review status: criteria provided, single submitter. Criteria: DASA Assertion Criteria. Collection method: clinical testing. Allele origin: germline.
Comment: NM_000138.5(FBN1):c.4034G>A (p.Ser1345Asn) is a missense variant that results in the substitution of serine with asparagine. This variant is rare in population databases. Computational prediction algorithms are consistent with a deleterious effect. The currently available literature and clinical evidence are not sufficient to establish a definitive association between this variant and the reported condition. Therefore, this variant is classified as a variant of uncertain significance.